The following is an entry in ClinVar:

ClinVar aggregate classification (germline): Pathogenic/Likely pathogenic. Review status: criteria provided, multiple submitters, no conflicts (2 of 4 stars). 2 submissions from 2 submitters: Pathogenic (1); Likely pathogenic (1). Last evaluated 2023-05-02.

Conditions:
Arrhythmogenic right ventricular dysplasia 8 (ARVD8). Also called: ARRHYTHMOGENIC RIGHT VENTRICULAR DYSPLASIA, FAMILIAL, 8; Arrhythmogenic Right Ventricular Dysplasia/Cardiomyopathy 8; ARRHYTHMOGENIC RIGHT VENTRICULAR CARDIOMYOPATHY 8. Identifiers: MedGen C1843896, MONDO:0011831, OMIM 607450.
Arrhythmogenic cardiomyopathy with wooly hair and keratoderma. Also called: Arrhythmogenic cardiomyopathy with woolly hair and keratoderma; Dilated cardiomyopathy with woolly hair and keratoderma; PALMOPLANTAR KERATODERMA WITH LEFT VENTRICULAR CARDIOMYOPATHY AND WOOLLY HAIR; Carvajal syndrome. Identifiers: Orphanet 65282, MedGen C1854063, MONDO:0011581, OMIM 605676.
Cardiomyopathy (CMYO). Also called: Cardiomyopathies. Identifiers: Orphanet 167848, MedGen C0878544, MONDO:0004994, HP:0001638. Inheritance: Various modes of inheritance.

Submissions (2):

Labcorp Genetics (formerly Invitae), Labcorp
Classification: Pathogenic for Arrhythmogenic cardiomyopathy with wooly hair and keratoderma; Arrhythmogenic right ventricular dysplasia 8. Last evaluated: 2023-05-02. Review status: criteria provided, single submitter. Criteria: Invitae Variant Classification Sherloc (09022015). Collection method: clinical testing. Allele origin: germline.
Comment: For these reasons, this variant has been classified as Pathogenic. ClinVar contains an entry for this variant (Variation ID: 632788). This sequence change creates a premature translational stop signal (p.Gln609*) in the DSP gene. It is expected to result in an absent or disrupted protein product. Loss-of-function variants in DSP are known to be pathogenic (PMID: 20716751, 24503780, 25227139). This variant is not present in population databases (gnomAD no frequency). This variant has not been reported in the literature in individuals affected with DSP-related conditions.

Women's Health and Genetics/Laboratory Corporation of America, LabCorp
Classification: Likely pathogenic for Cardiomyopathy. Last evaluated: 2018-01-25. Review status: criteria provided, single submitter. Criteria: LabCorp Variant Classification Summary - May 2015. Collection method: clinical testing. Allele origin: germline.
Comment: Variant summary: The DSP c.1825C>T (p.Gln609X) variant results in a premature termination codon, predicted to cause a truncated or absent DSP protein due to nonsense mediated decay, which are commonly known mechanisms for disease. Truncations downstream of this position have been classified as likely pathogenic/pathogenic by our laboratory (e.g. c.2821C>T (p.Arg941X), c.3337C>T (p.Arg1113X), and c.5126_5127delTC (p.Leu1709fsX24)). This variant is absent frome 246034 control chromosomes (gnomAD). The variant of interest has not, to our knowledge, been reported in affected individuals via publications and/or reputable databases/clinical diagnostic laboratories, nor was evaluated for functional impact by in vivo/vitro studies. Taken together, this variant is classified as likely pathogenic.

Literature cited by the submitters: PubMed 20716751 (cited by Labcorp Genetics (formerly Invitae), Labcorp); PubMed 24503780 (cited by Labcorp Genetics (formerly Invitae), Labcorp); PubMed 25227139 (cited by Labcorp Genetics (formerly Invitae), Labcorp).

NM_004415.4(DSP):c.1825C>T (p.Gln609Ter)

Gene: DSP (desmoplakin; plus strand). Cytogenetic location: 6p24.3.
Variant type: single nucleotide variant.
Coding change: c.1825C>T on transcript NM_004415.4 (MANE Select); coding-DNA position 1825, C replaced by T.
Protein change: p.Gln609Ter; replaces glutamine 609 with a stop codon.
Molecular consequence: nonsense.
Genome position (GRCh38, 1-based): chr6:7,571,506, C>T. VCF-style: chr6-7571506-C-T. GRCh37 (hg19) VCF-style: chr6-7571739-C-T.
Other names: c.1825C>T (LRG_423t1); c.1825C>T, p.Gln609Ter (NM_001008844.3, NM_001319034.2); short protein forms Q609*.
Identifiers: ClinVar variation 632788 (VCV000632788.8), dbSNP rs1561690319, ClinGen allele CA362679366.
Genomic context (GRCh38, chr6:7,571,506, plus strand): 5'-GAGTTCATCAGAAATAGCCAAGGCTCAGAGATGTTTGGAGATGATGACAAGCGGAAAATA[C>T]AGTCTCAGTTCACCGATGCCCAGAAGCATTACCAGACCCTGGTCATTCAGCTCCCTGGCT-3'